The following is an entry in ClinVar:

NM_022336.4(EDAR):c.1273G>T (p.Glu425Ter)

Genes: EDAR (ectodysplasin A receptor; minus strand), RANBP2 (RAN binding protein 2; plus strand). Cytogenetic location: 2q13.
Variant type: single nucleotide variant.
Coding change: c.1273G>T on transcript NM_022336.4 (MANE Select); coding-DNA position 1273, G replaced by T.
Protein change: p.Glu425Ter; replaces glutamic acid 425 with a stop codon.
Molecular consequence: nonsense.
Genome position (GRCh38, 1-based): chr2:108,896,981, C>A on the plus strand (G>T on the coding strand, the complement: EDAR is on the minus strand). VCF-style: chr2-108896981-C-A. GRCh37 (hg19) VCF-style: chr2-109513437-C-A.
Other names: short protein forms E425*.
Identifiers: ClinVar variation 3377143 (VCV003377143.1).

ClinVar aggregate classification (germline): Likely pathogenic (1 of 4 stars; one submission).

Conditions:
Ectodermal dysplasia 10A, hypohidrotic/hair/nail type, autosomal dominant (ECTD10A). Also called: Ectodermal Dysplasia 3, Anhidrotic. Identifiers: Orphanet 1810, Orphanet 238468, MedGen C3888065, MONDO:0007509, OMIM 129490.

Submission:

Victorian Clinical Genetics Services, Murdoch Childrens Research Institute
Classification: Likely pathogenic for Ectodermal dysplasia 10A, hypohidrotic/hair/nail type, autosomal dominant. Last evaluated: 2021-05-06. Review status: criteria provided, single submitter. Criteria: ACMG Guidelines, 2015. Collection method: clinical testing. Allele origin: germline. Inheritance: Autosomal dominant inheritance. Affected: yes.
Comment: Based on the classification scheme VCGS_Germline_v1.3.4, this variant is classified as Likely Pathogenic. Following criteria are met: 0102 - Loss of function is a known mechanism of disease in this gene and is associated with autosomal recessive hypohidrotic ectodermal dysplasia (HED) (MIM#224900). A dominant-negative disease mechanism is suggested for autosomal dominant hypohidrotic ectodermal dysplasia (HED) (MIM#129490). (I) 0108 - This gene is associated with both recessive and dominant disease. Variants associated with autosomal dominant are located within the Death domain (PMID: 31245878). (I) 0115 - Variants in this gene are known to have variable expressivity (GeneReviews). (I) 0205 - Variant is predicted to result in a truncated protein (premature termination codon is NOT located at least 54 nucleotides upstream of the final exon-exon junction) with less than 1/3 of the protein sequence affected. (SP) 0251 - This variant is heterozygous. (I) 0301 - Variant is absent from gnomAD (both v2 and v3). (SP) 0601 - Variant is located in the well-established functional Death domain (Uniprot, NCBI). (SP) 0703 - Other downstream truncating variants comparable to the one identified in this case have moderate previous evidence for pathogenicity. Both variants were reported for autosomal dominant HED, one of which was shown to segregate in a large, multi-generational family (ClinVar; PMID: 32325225). (SP) 0807 - This variant has no previous evidence of pathogenicity. (I) 0905 - No published segregation evidence has been identified for this variant. (I) 1007 - No published functional evidence has been identified for this variant. (I) 1208 - Inheritance information for this variant is not currently available in this individual. (I) Legend: (SP) - Supporting pathogenic, (I) - Information, (SB) - Supporting benign

Literature cited by the submitters: PubMed 31245878; PubMed 32325225.